The following is an entry in ClinVar:

NM_139076.3(ABRAXAS1):c.556T>C (p.Cys186Arg)

Gene: ABRAXAS1 (abraxas 1, BRCA1 A complex subunit; minus strand). Cytogenetic location: 4q21.23.
Variant type: single nucleotide variant.
Coding change: c.556T>C on transcript NM_139076.3 (MANE Select); coding-DNA position 556, T replaced by C.
Protein change: p.Cys186Arg; replaces cysteine 186 with arginine.
Molecular consequence: missense variant.
Genome position (GRCh38, 1-based): chr4:83,469,072, A>G on the plus strand (T>C on the coding strand, the complement: ABRAXAS1 is on the minus strand). VCF-style: chr4-83469072-A-G. GRCh37 (hg19) VCF-style: chr4-84390225-A-G.
Other names: c.229T>C, p.Cys77Arg (NM_001345962.2); short protein forms C186R, C77R.
Identifiers: ClinVar variation 1799778 (VCV001799778.45), dbSNP rs2529435291, ClinGen allele CA357259486.

ClinVar aggregate classification (germline): Uncertain significance. Review status: criteria provided, multiple submitters, no conflicts (2 of 4 stars). 2 submissions from 2 submitters: Uncertain significance (2). Last evaluated 2024-03-14.

Submissions (2):

Ambry Genetics
Classification: Uncertain significance. Last evaluated: 2024-03-14. Review status: criteria provided, single submitter. Criteria: Ambry Variant Classification Scheme 2023. Collection method: clinical testing. Allele origin: germline.
Comment: The p.C186R variant (also known as c.556T>C), located in coding exon 6 of the FAM175A gene, results from a T to C substitution at nucleotide position 556. The cysteine at codon 186 is replaced by arginine, an amino acid with highly dissimilar properties. This amino acid position is conserved. In addition, this alteration is predicted to be tolerated by in silico analysis. Since supporting evidence is limited at this time, the clinical significance of this alteration remains unclear.

Labcorp Genetics (formerly Invitae), Labcorp
Classification: Uncertain significance. Last evaluated: 2022-10-24. Review status: criteria provided, single submitter. Criteria: Invitae Variant Classification Sherloc (09022015). Collection method: clinical testing. Allele origin: germline.
Comment: In summary, the available evidence is currently insufficient to determine the role of this variant in disease. Therefore, it has been classified as a Variant of Uncertain Significance. Algorithms developed to predict the effect of missense changes on protein structure and function output the following: SIFT: "Deleterious"; PolyPhen-2: "Benign"; Align-GVGD: "Class C0". The arginine amino acid residue is found in multiple mammalian species, which suggests that this missense change does not adversely affect protein function. This variant has not been reported in the literature in individuals affected with ABRAXAS1-related conditions. This variant is not present in population databases (gnomAD no frequency). This sequence change replaces cysteine, which is neutral and slightly polar, with arginine, which is basic and polar, at codon 186 of the ABRAXAS1 protein (p.Cys186Arg).